The following is an entry in ClinVar:

ClinVar aggregate classification (germline): Conflicting classifications of pathogenicity. Review status: criteria provided, conflicting classifications (1 of 4 stars). 12 submissions from 12 submitters: Likely pathogenic (1); Uncertain significance (10). 1 of the submissions does not count toward it. Last evaluated 2026-04-07.

Conditions:
Hereditary breast ovarian cancer syndrome. Also called: Breast and ovarian cancer; Hereditary breast and ovarian cancer; Hereditary breast and ovarian cancer syndrome; Hereditary breast and/or ovarian cancer syndrome; BRCA1- and BRCA2-Associated Hereditary Breast and Ovarian Cancer; Hereditary breast and ovarian cancer syndrome (HBOC). Identifiers: Orphanet 145, MedGen C0677776, MeSH D061325, MONDO:0003582. Disease mechanism: loss of function.
Pancreatic cancer, susceptibility to, 4. Identifiers: Orphanet 1333, MedGen C3280442, MONDO:0013685, OMIM 614320.
Familial cancer of breast. Also called: BREAST CANCER, FAMILIAL; hereditary breast carcinoma; Hereditary breast cancer. Identifiers: Orphanet 227535, MedGen C0346153, MONDO:0016419, OMIM 114480. Disease mechanism: loss of function.
Breast-ovarian cancer, familial, susceptibility to, 1 (BROVCA1). Also called: BRCA1 Hereditary Breast and Ovarian Cancer; OVARIAN CANCER, SUSCEPTIBILITY TO. Identifiers: Orphanet 145, MedGen C2676676, MONDO:0011450, OMIM 604370. Disease mechanism: loss of function.
Fanconi anemia, complementation group S (FANCS). Identifiers: MedGen C4554406, MONDO:0054748, OMIM 617883.
Hereditary cancer-predisposing syndrome. Also called: Tumor predisposition; Hereditary Cancer Syndrome; Neoplastic Syndromes, Hereditary; Hereditary neoplastic syndrome. Identifiers: Orphanet 140162, MedGen C0027672, MeSH D009386, MONDO:0015356.

Allele frequency attached by ClinVar (database versions not stated): gnomAD exomes 0.00001; ExAC 0.00002; TOPMed 0.00002.
gnomAD v4.1: 10 of 1,611,800 alleles (0.00062%); highest among the groups gnomAD compares: Non-Finnish European, 0.00085%; no homozygotes.

Submissions 1 to 4 of 13:

Women's Health and Genetics/Laboratory Corporation of America, LabCorp
Classification: Uncertain significance. Last evaluated: 2026-04-07. Review status: criteria provided, single submitter. Criteria: LabCorp Variant Classification Summary - May 2015. Collection method: clinical testing. Allele origin: germline.
Comment: Variant summary: BRCA1 c.301+6T>C alters a conserved nucleotide located close to a canonical splice site and therefore could affect mRNA splicing, leading to a significantly altered protein sequence. Several computational tools predict a significant impact on normal splicing: One predicts the variant weakens a 5' donor site. One predicts the variant abolishes a 5' splicing donor site. One predicts the variant abolishes a cryptic 3' acceptor site. At least 1 study reported very low levels of aberrant transcript, possibly resulting from use of a cryptic site 9 nucleotides upstream from canonical 5' splice donor site (Thomassen_2011). Internal RNA splicing evidence demonstrated this variant results in the activation of a cryptic splice site in exon 5 leading to an inframe delins effect (r.293_301del, p.Gly98_Tyr101delinsAsp) with PSI in sample ~14% vs 0.37% in background (internal data). However, the biological relevance of this splicing impact is unclear. The variant allele was found at a frequency of 1.2e-05 in 245948 control chromosomes (gnomAD). The available data on variant occurrences in the general population are insufficient to allow any conclusion about variant significance. c.301+6T>C has been reported in the literature in the presumed heterozygous state in at least 1 individual with breast cancer (Fanale_2021), in an individual affected with ovarian cancer (Shirts_2015), and in an individual affected with breast cancer and with a family history of breast and ovarian cancer and other cancers including lung cancer, layrynx cancer and myeloma however, without evidence of co-segregation of the variant with disease (Thomassen_2011). These reports do not provide unequivocal conclusions about association of the variant with Hereditary Breast and Ovarian Cancer. At least one functional study reports experimental evidence evaluating an impact on protein function and showed a damaging effect of this variant on homology directed repair (HDR) activity (e.g. Findlay_2018). HDR assays qualify as a recognized gold standard on the basis of updated guidance provided by the ClinGen Sequence Variant Interpretation (SVI) working group. However, a follow up study using a saturation genome editing technique performed by the same group (George Findlay, Francis Crick Institute, UK; not yet peer reviewed) retracted this evidence, stating that an extraneous variant was introduced into this region during some experiments reported in Findlay_2018 which apparently impacted results. New functional scores from this follow up demonstrated the variant to be "functional". The following publications have been ascertained in the context of this evaluation (PMID: 20858050, 30209399, 29750258, 26845104, 21769658, 26913838, 23893897, 38160042, 34178674). ClinVar contains an entry for this variant (Variation ID: 224562). Based on the evidence outlined above, the variant was classified as uncertain significance.

Labcorp Genetics (formerly Invitae), Labcorp
Classification: Uncertain significance for Hereditary breast ovarian cancer syndrome. Last evaluated: 2025-12-09. Review status: criteria provided, single submitter. Criteria: Invitae Variant Classification Sherloc (09022015). Collection method: clinical testing. Allele origin: germline.
Comment: This sequence change falls in intron 5 of the BRCA1 gene. It does not directly change the encoded amino acid sequence of the BRCA1 protein. RNA analysis indicates that this variant induces altered splicing and likely results in the loss of 3 amino acid residue(s), but is expected to preserve the integrity of the reading-frame. This variant is present in population databases (rs753859240, gnomAD 0.002%). This variant has been observed in individual(s) with breast cancer and ovarian cancer (PMID: 21769658, 26845104, 34178674). ClinVar contains an entry for this variant (Variation ID: 224562). Based on a multifactorial likelihood algorithm using genetic, in silico, and/or statistical data, this variant has been determined to have a low probability of being pathogenic (PMID: 21769658). Variants that disrupt the consensus splice site are a relatively common cause of aberrant splicing (PMID: 17576681, 9536098). Studies have shown that this variant results in the activation of a cryptic splice site in exon 5 (PMID: 21769658; internal data). In summary, the available evidence is currently insufficient to determine the role of this variant in disease. Therefore, it has been classified as a Variant of Uncertain Significance.

Color Diagnostics, LLC DBA Color Health
Classification: Uncertain significance for Hereditary cancer-predisposing syndrome. Last evaluated: 2025-06-02. Review status: criteria provided, single submitter. Criteria: ACMG Guidelines, 2015. Collection method: clinical testing. Allele origin: germline.
Comment: This variant causes a T to C nucleotide substitution at the +6 position of intron 5 of the BRCA1 gene. This variant is predicted to weaken the intron 5 splice donor site (PMID: 30661751). An RNA study has reported a very low level of aberrant splicing product lacking the last nine nucleotides of exon 5 predicted to result in an in-frame deletion of three amino acids (PMID: 21769658). A functional study had reported that this variant disrupts BRCA1 function in a haploid cell proliferation assay (PMID: 30209399), but this finding has been corrected by an interim report that this variant has no functional impact. This variant has been reported in two individuals affected with breast or ovarian cancer (PMID: 21769658, 26845104). This variant has been identified in 3/251174 chromosomes in the general population by the Genome Aggregation Database (gnomAD). The available evidence is insufficient to determine the role of this variant in disease conclusively. Therefore, this variant is classified as a Variant of Uncertain Significance.

Quest Diagnostics Nichols Institute San Juan Capistrano
Classification: Uncertain significance. Last evaluated: 2024-04-23. Review status: criteria provided, single submitter. Criteria: Quest Diagnostics criteria. Collection method: clinical testing. Allele origin: unknown.
Comment: The BRCA1 c.301+6T>C variant has been reported in the published literature in individuals with breast cancer (PMIDs: 34178674 (2021), 21769658 (2012)) and ovarian cancer (PMID: 26845104 (2016)). Experimental studies indicate this variant causes low levels of aberrant splicing (PMID: 21769658 (2012)), and is described as being non-functional in a DNA repair-dependent cell survival assay (PMID: 30209399 (2018)). The frequency of this variant in the general population, 0.000012 (3/251174 chromosomes (Genome Aggregation Database)), is uninformative in the assessment of its pathogenicity. Analysis of this variant using software algorithms for the prediction of the effect of nucleotide changes on BRCA1 mRNA splicing yielded inconclusive findings. Based on the available information, we are unable to determine the clinical significance of this variant.

NM_007294.4(BRCA1):c.301+6T>C

Gene: BRCA1 (BRCA1 DNA repair associated; minus strand). Cytogenetic location: 17q21.31.
Variant type: single nucleotide variant.
Coding change: c.301+6T>C on transcript NM_007294.4 (MANE Select); 6 bases into the intron after coding-DNA position 301, T replaced by C.
Molecular consequence: intron variant.
Genome position (GRCh38, 1-based): chr17:43,104,862, A>G on the plus strand (T>C on the coding strand, the complement: BRCA1 is on the minus strand). VCF-style: chr17-43104862-A-G. GRCh37 (hg19) VCF-style: chr17-41256879-A-G.
Other names: c.301+6T>C (NM_001407983.1, NM_001407975.1, NM_001407971.1 and 164 more transcripts); c.-81+6T>C (NM_001407965.1, NM_001407959.1, NM_001407962.1 and 4 more transcripts); c.160+6T>C (NM_001407930.1, NM_001407843.1, NM_001408456.1 and 99 more transcripts); c.91+6T>C (NM_001408482.1, NM_001407954.1, NM_001407896.1 and 58 more transcripts); c.223+6T>C (NM_001407874.1, NM_001408416.1, NM_001408414.1 and 21 more transcripts); c.-218-10002T>C (NM_001407967.1, NM_001407966.1); c.169+6T>C (NM_001408451.1); c.292+15T>C (NM_001408408.1, NM_001407647.1, NM_001407646.1).
Identifiers: ClinVar variation 224562 (VCV000224562.32), dbSNP rs753859240, ClinGen allele CA055594.
Genomic context (GRCh38, chr17:43,104,862, plus strand): 5'-TGTGCAAACTTCCTGAGTTTTCATGGACAGCACTTGAGTGTCATTCTTGGGATATTCAAC[A>G]CTTACACTCCAAACCTGTGTCAAGCTGAAAAGCACAAATGATTTTCAATAGCTCTTCAAC-3'